The following is an entry in ClinVar:

ClinVar aggregate classification (germline): Uncertain significance (1 of 4 stars; one submission).

Conditions:
Ciliary dyskinesia, primary, 37 (CILD37). Also called: CILIARY DYSKINESIA, PRIMARY, 37, WITH OR WITHOUT SITUS INVERSUS. Identifiers: MedGen C4539798, MONDO:0033204, OMIM 617577.
Spermatogenic failure 18. Identifiers: MedGen C4539783, MONDO:0054615, OMIM 617576.

Allele frequency attached by ClinVar (database versions not stated): gnomAD exomes 0.00002 and 0.00001; ESP Exome Variant Server 0.00008; ExAC 0.00002.
gnomAD v4.1: 24 of 1,576,710 alleles (0.0015%); highest among the groups gnomAD compares: Non-Finnish European, 0.0021%; no homozygotes.

Submission:

Labcorp Genetics (formerly Invitae), Labcorp
Classification: Uncertain significance for Ciliary dyskinesia, primary, 37; Spermatogenic failure 18. Last evaluated: 2021-10-24. Review status: criteria provided, single submitter. Criteria: Invitae Variant Classification Sherloc (09022015). Collection method: clinical testing. Allele origin: germline.
Comment: This sequence change replaces aspartic acid with glutamic acid at codon 3602 of the DNAH1 protein (p.Asp3602Glu). The aspartic acid residue is highly conserved and there is a small physicochemical difference between aspartic acid and glutamic acid. In summary, the available evidence is currently insufficient to determine the role of this variant in disease. Therefore, it has been classified as a Variant of Uncertain Significance. Algorithms developed to predict the effect of missense changes on protein structure and function are either unavailable or do not agree on the potential impact of this missense change (SIFT: "Deleterious"; PolyPhen-2: "Probably Damaging"; Align-GVGD: "Class C0"). This variant has not been reported in the literature in individuals affected with DNAH1-related conditions. This variant is present in population databases (rs370017937, ExAC 0.003%).

NM_015512.5(DNAH1):c.10806C>G (p.Asp3602Glu)

Gene: DNAH1 (dynein axonemal heavy chain 1; plus strand). Cytogenetic location: 3p21.1.
Variant type: single nucleotide variant.
Coding change: c.10806C>G on transcript NM_015512.5 (MANE Select); coding-DNA position 10806, C replaced by G.
Protein change: p.Asp3602Glu; replaces aspartic acid 3602 with glutamic acid.
Molecular consequence: missense variant.
Genome position (GRCh38, 1-based): chr3:52,394,644, C>G. VCF-style: chr3-52394644-C-G. GRCh37 (hg19) VCF-style: chr3-52428660-C-G.
Other names: short protein forms D3602E.
Identifiers: ClinVar variation 1435308 (VCV001435308.6), dbSNP rs370017937, ClinGen allele CA2435954.
Genomic context (GRCh38, chr3:52,394,644, plus strand): 5'-CTTTTCCTCCTTCTCTTCCGACTTCGTGAAGCACCTCTCAGAATTCCGGGTCATCTTCGA[C>G]AGCCTTGAGCCCCACCGGTTAGCTGGGCCCCAGAATATGGCAGGATGAGCCCATCGAGGG-3'
Protein context (NP_056327.4, residues 3592-3612): KHLSEFRVIF[Asp3602Glu]SLEPHREPLP